The following is an entry in ClinVar:

ClinVar aggregate classification (germline): Likely benign. Review status: criteria provided, multiple submitters, no conflicts (2 of 4 stars). 2 submissions from 2 submitters: Likely benign (2). Last evaluated 2025-07-02.

Allele frequency attached by ClinVar (database versions not stated): TOPMed 0.00006; ESP Exome Variant Server 0.00008; gnomAD 0.00010; gnomAD exomes 0.00018; ExAC 0.00036; 1000 Genomes Project 30x 0.00062; 1000 Genomes Project 0.00080.
gnomAD v4.1: 294 of 1,613,952 alleles (0.018%); highest among the groups gnomAD compares: Middle Eastern, 0.41%; 5 homozygotes.

Submissions (2):

Labcorp Genetics (formerly Invitae), Labcorp
Classification: Likely benign. Last evaluated: 2025-07-02. Review status: criteria provided, single submitter. Criteria: Invitae Variant Classification Sherloc (09022015). Collection method: clinical testing. Allele origin: germline.

CeGaT Center for Human Genetics Tuebingen
Classification: Likely benign. Last evaluated: 2022-12-01. Review status: criteria provided, single submitter. Criteria: CeGaT Center For Human Genetics Tuebingen Variant Classification Criteria Version 2. Collection method: clinical testing. Allele origin: germline. Affected: yes. Observed: 1 variant allele.
Comment: GRM7: BP4

NM_000844.4(GRM7):c.1732G>A (p.Asp578Asn)

Gene: GRM7 (glutamate metabotropic receptor 7; plus strand). Cytogenetic location: 3p26.1.
Variant type: single nucleotide variant.
Coding change: c.1732G>A on transcript NM_000844.4 (MANE Select); coding-DNA position 1732, G replaced by A.
Protein change: p.Asp578Asn; replaces aspartic acid 578 with asparagine.
Molecular consequence: missense variant.
Genome position (GRCh38, 1-based): chr3:7,578,638, G>A. VCF-style: chr3-7578638-G-A. GRCh37 (hg19) VCF-style: chr3-7620325-G-A.
Other names: c.1732G>A, p.Asp578Asn (NM_181874.3); short protein forms D578N.
Identifiers: ClinVar variation 2077764 (VCV002077764.28), dbSNP rs138514405, ClinGen allele CA2234976.
Genomic context (GRCh38, chr3:7,578,638, plus strand): 5'-ATGACATGCCAGCATTGCCCCTATGACCAGAGGCCCAATGAAAATCGAACCGGATGCCAG[G>A]ATATTCCCATCATCAAACTGGAGTGGCACTCCCCCTGGGCTGTGATTCCTGTCTTCCTGG-3'
Protein context (NP_000835.1, residues 568-588): RPNENRTGCQ[Asp578Asn]IPIIKLEWHS